The following is an entry in ClinVar:

NM_000266.4(NDP):c.181C>G (p.Leu61Val)

Genes: NDP (norrin cystine knot growth factor NDP; minus strand), NDP-AS1 (NDP antisense RNA 1; plus strand). Cytogenetic location: Xp11.3.
Variant type: single nucleotide variant.
Coding change: c.181C>G on transcript NM_000266.4 (MANE Select); coding-DNA position 181, C replaced by G.
Protein change: p.Leu61Val; replaces leucine 61 with valine.
Molecular consequence: missense variant. On other transcripts: non-coding transcript variant (1).
Genome position (GRCh38, 1-based): chrX:43,950,020, G>C on the plus strand (C>G on the coding strand, the complement: NDP is on the minus strand). VCF-style: chrX-43950020-G-C. GRCh37 (hg19) VCF-style: chrX-43809266-G-C.
Other names: short protein forms L61V.
Identifiers: ClinVar variation 4711426 (VCV004711426.2).

ClinVar aggregate classification (germline): Likely pathogenic. Review status: criteria provided, multiple submitters, no conflicts (2 of 4 stars). 2 submissions from 2 submitters: Likely pathogenic (2). Last evaluated 2026-09-16.

Conditions:
Retinal disorder. Also called: Retinopathy; Retinopathies; Retinal Diseases; Retinal disorders. Identifiers: MedGen C0035309, MONDO:0005283, HP:0000488.

Submissions (2):

Genetics Laboratory, Great Ormond Street Hospital NHS Foundation Trust, North Thames Genomic Laboratory Hub
Classification: Likely pathogenic for Retinal disorders. Last evaluated: 2026-09-16. Review status: criteria provided, single submitter. Criteria: ACGS Best Practice Guidelines for Variant Classification in Rare Disease 2024 v1.2. Collection method: clinical testing. Allele origin: germline. Affected: yes.
Comment: PS4_supporting, PM2_moderate, PM5_moderate, PP1_strong

Labcorp Genetics (formerly Invitae), Labcorp
Classification: Likely pathogenic. Last evaluated: 2025-05-19. Review status: criteria provided, single submitter. Criteria: Invitae Variant Classification Sherloc (09022015). Collection method: clinical testing. Allele origin: germline.
Comment: This sequence change replaces leucine, which is neutral and non-polar, with valine, which is neutral and non-polar, at codon 61 of the NDP protein (p.Leu61Val). This variant is not present in population databases (gnomAD no frequency). This missense change has been observed in individual(s) with familial exudative vitreoretinopathy (PMID: 34582765, 35361573; internal data). Invitae Evidence Modeling of protein sequence and biophysical properties (such as structural, functional, and spatial information, amino acid conservation, physicochemical variation, residue mobility, and thermodynamic stability) has been performed for this missense variant. However, the output from this modeling did not meet the statistical confidence thresholds required to predict the impact of this variant on NDP protein function. This variant disrupts the p.Leu61 amino acid residue in NDP. Other variant(s) that disrupt this residue have been determined to be pathogenic (PMID: 1307245, 9143918, 36729443). This suggests that this residue is clinically significant, and that variants that disrupt this residue are likely to be disease-causing. In summary, the currently available evidence indicates that the variant is pathogenic, but additional data are needed to prove that conclusively. Therefore, this variant has been classified as Likely Pathogenic.

Literature cited by the submitters: PubMed 34582765 (cited by Labcorp Genetics (formerly Invitae), Labcorp); PubMed 35361573 (cited by Labcorp Genetics (formerly Invitae), Labcorp); PubMed 1307245 (cited by Labcorp Genetics (formerly Invitae), Labcorp); PubMed 9143918 (cited by Labcorp Genetics (formerly Invitae), Labcorp); PubMed 36729443 (cited by Labcorp Genetics (formerly Invitae), Labcorp).